The following is an entry in ClinVar:

ClinVar aggregate classification (germline): Uncertain significance. Review status: criteria provided, multiple submitters, no conflicts (2 of 4 stars). 2 submissions from 2 submitters: Uncertain significance (2). Last evaluated 2025-08-29.

Conditions:
Inborn genetic diseases. Identifiers: MedGen C0950123, MeSH D030342.
Brachyolmia-amelogenesis imperfecta syndrome. Also called: PLATYSPONDYLY WITH AMELOGENESIS IMPERFECTA; Tooth agenesis, selective, 6; Dental anomalies and short stature. Identifiers: Orphanet 2899, MedGen C1832594, MONDO:0011018, OMIM 601216. Disease mechanism: loss of function.

Allele frequency attached by ClinVar (database versions not stated): gnomAD 0.00001; TOPMed 0.00002.
gnomAD v4.1: 3 of 1,521,164 alleles (0.0002%); highest among the groups gnomAD compares: Middle Eastern, 0.017%; no homozygotes.

Submissions (2):

Labcorp Genetics (formerly Invitae), Labcorp
Classification: Uncertain significance for Brachyolmia-amelogenesis imperfecta syndrome. Last evaluated: 2025-08-29. Review status: criteria provided, single submitter. Criteria: Invitae Variant Classification Sherloc (09022015). Collection method: clinical testing. Allele origin: germline.
Comment: This sequence change replaces alanine, which is neutral and non-polar, with proline, which is neutral and non-polar, at codon 1250 of the LTBP3 protein (p.Ala1250Pro). This variant is present in population databases (no rsID available, gnomAD 0.002%). This variant has not been reported in the literature in individuals affected with LTBP3-related conditions. ClinVar contains an entry for this variant (Variation ID: 2447602). An algorithm developed to predict the effect of missense changes on protein structure and function (PolyPhen-2) suggests that this variant is likely to be tolerated. In summary, the available evidence is currently insufficient to determine the role of this variant in disease. Therefore, it has been classified as a Variant of Uncertain Significance.

Ambry Genetics
Classification: Uncertain significance for Inborn genetic diseases. Last evaluated: 2023-03-07. Review status: criteria provided, single submitter. Criteria: Ambry Variant Classification Scheme 2023. Collection method: clinical testing. Allele origin: germline.
Comment: The p.A1250P variant (also known as c.3748G>C), located in coding exon 27 of the LTBP3 gene, results from a G to C substitution at nucleotide position 3748. The alanine at codon 1250 is replaced by proline, an amino acid with highly similar properties. This amino acid position is conserved. In addition, the in silico prediction for this alteration is inconclusive. Since supporting evidence is limited at this time, the clinical significance of this alteration remains unclear.

NM_001130144.3(LTBP3):c.3748G>C (p.Ala1250Pro)

Gene: LTBP3 (latent transforming growth factor beta binding protein 3; minus strand). Cytogenetic location: 11q13.1.
Variant type: single nucleotide variant.
Coding change: c.3748G>C on transcript NM_001130144.3 (MANE Select); coding-DNA position 3748, G replaced by C.
Protein change: p.Ala1250Pro; replaces alanine 1250 with proline.
Molecular consequence: missense variant.
Genome position (GRCh38, 1-based): chr11:65,539,340, C>G on the plus strand (G>C on the coding strand, the complement: LTBP3 is on the minus strand). VCF-style: chr11-65539340-C-G. GRCh37 (hg19) VCF-style: chr11-65306811-C-G.
Other names: c.3256G>C, p.Ala1086Pro (NM_001164266.1); c.3607G>C, p.Ala1203Pro (NM_021070.4); short protein forms A1203P, A1250P, A1086P.
Identifiers: ClinVar variation 2447602 (VCV002447602.3), dbSNP rs1382015699, ClinGen allele CA381266137.
Genomic context (GRCh38, chr11:65,539,340, plus strand): 5'-CCTCACCACCGGCCCCGCCCCTGCCCCCACCCCCGAAGCCCGGCTCACCCACGCAGCGGG[C>G]GCGGGAGGCGTCGAGCTGGAAGCCGCCGGGACACTCGCACACGGCGCCGCCCGGCCGCGG-3'
Protein context (NP_001123616.1, residues 1240-1260): PGGFQLDASR[Ala1250Pro]RCVDIDECRE